The following is an entry in ClinVar:

NM_014244.5(ADAMTS2):c.1427C>T (p.Pro476Leu)

Gene: ADAMTS2 (ADAM metallopeptidase with thrombospondin type 1 motif 2; minus strand). Cytogenetic location: 5q35.3.
Variant type: single nucleotide variant.
Coding change: c.1427C>T on transcript NM_014244.5 (MANE Select); coding-DNA position 1427, C replaced by T.
Protein change: p.Pro476Leu; replaces proline 476 with leucine.
Molecular consequence: missense variant.
Genome position (GRCh38, 1-based): chr5:179,153,579, G>A on the plus strand (C>T on the coding strand, the complement: ADAMTS2 is on the minus strand). VCF-style: chr5-179153579-G-A. GRCh37 (hg19) VCF-style: chr5-178580580-G-A.
Other names: c.1427C>T, p.Pro476Leu (NM_021599.4); short protein forms P476L.
Identifiers: ClinVar variation 469664 (VCV000469664.10), dbSNP rs762123346, ClinGen allele CA3595917.

ClinVar aggregate classification (germline): Uncertain significance. Review status: criteria provided, multiple submitters, no conflicts (2 of 4 stars). 3 submissions from 3 submitters: Uncertain significance (2). 1 of the submissions does not count toward it. Last evaluated 2025-10-01.

Conditions:
Ehlers-Danlos syndrome, dermatosparaxis type. Also called: EDS VIIC; Dermatosparaxis; Ehlers-Danlos syndrome, type VII, autosomal recessive. Identifiers: Orphanet 1901, MedGen C2700425, MONDO:0009161, OMIM 225410.

Allele frequency attached by ClinVar (database versions not stated): gnomAD exomes 0.00001; ExAC 0.00002.

Submissions (3):

Myriad Genetics, Inc.
Classification: Uncertain significance for Ehlers-Danlos syndrome, dermatosparaxis type. Last evaluated: 2025-10-01. Review status: criteria provided, single submitter. Criteria: Myriad Autosomal Dominant, Autosomal Recessive and X-Linked Classification Criteria (2023). Collection method: clinical testing. Allele origin: unknown.
Comment: NM_014244.4(ADAMTS2):c.1427C>T(P476L) is a missense variant classified as a variant of uncertain significance in the context of Ehlers-Danlos syndrome, ADAMTS2-related. P476L has not been observed in cases with relevant disease. Relevant functional assessments of this variant are not available in the literature. P476L has been observed in referenced population frequency databases. In summary, there is insufficient evidence to classify NM_014244.4(ADAMTS2):c.1427C>T(P476L) as pathogenic or benign. Please note: this variant was assessed in the context of healthy population screening.

Labcorp Genetics (formerly Invitae), Labcorp
Classification: Uncertain significance for Ehlers-Danlos syndrome, dermatosparaxis type. Last evaluated: 2021-08-28. Review status: criteria provided, single submitter. Criteria: Invitae Variant Classification Sherloc (09022015). Collection method: clinical testing. Allele origin: germline.
Comment: This sequence change replaces proline with leucine at codon 476 of the ADAMTS2 protein (p.Pro476Leu). The proline residue is highly conserved and there is a moderate physicochemical difference between proline and leucine. This variant is present in population databases (rs762123346, ExAC 0.003%). This variant has not been reported in the literature in individuals affected with ADAMTS2-related conditions. Algorithms developed to predict the effect of missense changes on protein structure and function (SIFT, PolyPhen-2, Align-GVGD) all suggest that this variant is likely to be disruptive. In summary, the available evidence is currently insufficient to determine the role of this variant in disease. Therefore, it has been classified as a Variant of Uncertain Significance.

Natera, Inc.
Classification: Uncertain significance for Ehlers-Danlos syndrome type VIIC. Last evaluated: 2019-10-28. Review status: no assertion criteria provided. Collection method: clinical testing. Allele origin: germline. Not counted in ClinVar's aggregate classification.